The following is an entry in ClinVar:

ClinVar aggregate classification (germline): Pathogenic (1 of 4 stars; one submission).

Conditions:
Congenital disorder of glycosylation, type Iaa. Also called: Congenital disorder of glycosylation, type 1aa. Identifiers: MedGen C4310727, MONDO:0014904, OMIM 617082.

Submission:

Labcorp Genetics (formerly Invitae), Labcorp
Classification: Pathogenic for Congenital disorder of glycosylation, type Iaa. Last evaluated: 2023-02-16. Review status: criteria provided, single submitter. Criteria: Invitae Variant Classification Sherloc (09022015). Collection method: clinical testing. Allele origin: germline.
Comment: For these reasons, this variant has been classified as Pathogenic. This variant has not been reported in the literature in individuals affected with NUS1-related conditions. This sequence change creates a premature translational stop signal (p.Trp123Tyrfs*9) in the NUS1 gene. It is expected to result in an absent or disrupted protein product. Loss-of-function variants in NUS1 are known to be pathogenic (PMID: 29100083). This variant is not present in population databases (gnomAD no frequency).

Literature cited by the submitters: PubMed 29100083.

NM_138459.5(NUS1):c.368_372del (p.Trp123fs)

Gene: NUS1 (NUS1 dehydrodolichyl diphosphate synthase subunit; plus strand). Cytogenetic location: 6q22.1.
Variant type: Microsatellite.
Coding change: c.368_372del on transcript NM_138459.5 (MANE Select); coding-DNA positions 368 to 372, 5 bases deleted (GGTGT; older notation c.368_372delGGTGT).
Protein change: p.Trp123fs; shifts the reading frame from tryptophan 123.
Molecular consequence: frameshift variant.
Genome position (GRCh38, 1-based): chr6:117,676,038-117,676,042, GGTGT deleted; deleting any 5 consecutive bases within chr6:117,676,031-117,676,042 gives the same sequence; the c. name uses the placement nearest the transcript's 3' end. VCF-style (leftmost placement, unchanged base first): chr6-117676030-CGTGGT-C. GRCh37 (hg19) VCF-style: chr6-117997193-CGTGGT-C.
Other names: short protein forms W123fs.
Identifiers: ClinVar variation 2838328 (VCV002838328.3), dbSNP rs2481983841, ClinGen allele CA2739266057.